The following is an entry in ClinVar:

ClinVar aggregate classification (germline): Uncertain significance. Review status: criteria provided, multiple submitters, no conflicts (2 of 4 stars). 2 submissions from 2 submitters: Uncertain significance (2). Last evaluated 2026-01-14.

Conditions:
DICER1-related tumor predisposition. Also called: DICER1-related pleuropulmonary blastoma cancer predisposition syndrome; DICER1 syndrome. Identifiers: Orphanet 284343, MedGen C3839822, MONDO:0100216.
Hereditary cancer-predisposing syndrome. Also called: Hereditary Cancer Syndrome; Neoplastic Syndromes, Hereditary; Tumor predisposition; Hereditary neoplastic syndrome. Identifiers: Orphanet 140162, MedGen C0027672, MeSH D009386, MONDO:0015356.

Submissions (2):

Ambry Genetics
Classification: Uncertain significance for Hereditary cancer-predisposing syndrome. Last evaluated: 2026-01-14. Review status: criteria provided, single submitter. Criteria: Ambry Variant Classification Scheme 2023. Collection method: clinical testing. Allele origin: germline.
Comment: The p.V410M variant (also known as c.1228G>A), located in coding exon 7 of the DICER1 gene, results from a G to A substitution at nucleotide position 1228. The valine at codon 410 is replaced by methionine, an amino acid with highly similar properties. This amino acid position is conserved. In addition, the in silico prediction for this alteration is inconclusive. Based on the available evidence, the clinical significance of this variant remains unclear.

Labcorp Genetics (formerly Invitae), Labcorp
Classification: Uncertain significance for DICER1-related tumor predisposition. Last evaluated: 2020-05-25. Review status: criteria provided, single submitter. Criteria: Invitae Variant Classification Sherloc (09022015). Collection method: clinical testing. Allele origin: germline.
Comment: In summary, the available evidence is currently insufficient to determine the role of this variant in disease. Therefore, it has been classified as a Variant of Uncertain Significance. Algorithms developed to predict the effect of missense changes on protein structure and function are either unavailable or do not agree on the potential impact of this missense change (SIFT: "Deleterious"; PolyPhen-2: "Probably Damaging"; Align-GVGD: "Class C0"). This variant has not been reported in the literature in individuals with DICER1-related conditions. This variant is not present in population databases (ExAC no frequency). This sequence change replaces valine with methionine at codon 410 of the DICER1 protein (p.Val410Met). The valine residue is highly conserved and there is a small physicochemical difference between valine and methionine.

NM_177438.3(DICER1):c.1228G>A (p.Val410Met)

Gene: DICER1 (dicer 1, ribonuclease III; minus strand). Cytogenetic location: 14q32.13.
Variant type: single nucleotide variant.
Coding change: c.1228G>A on transcript NM_177438.3 (MANE Select); coding-DNA position 1228, G replaced by A.
Protein change: p.Val410Met; replaces valine 410 with methionine.
Molecular consequence: missense variant.
Genome position (GRCh38, 1-based): chr14:95,124,344, C>T on the plus strand (G>A on the coding strand, the complement: DICER1 is on the minus strand). VCF-style: chr14-95124344-C-T. GRCh37 (hg19) VCF-style: chr14-95590681-C-T.
Other names: c.1228G>A, p.Val410Met (NM_001195573.1, NM_001271282.3, NM_001291628.2 and 1 more transcripts); c.1228G>A (NM_177438.2); short protein forms V410M.
Identifiers: ClinVar variation 1016104 (VCV001016104.11), dbSNP rs1893202515, ClinGen allele CA390886602.
Genomic context (GRCh38, chr14:95,124,344, plus strand): 5'-GCTTCTCTTTTTCTTCAATTTCTTCATCCTCATCATCATCCTCAGAATCACTCCATGACA[C>T]ATAATTATCCTGATTTCTATTATTATACCACTCAACGCTTTCAAACTGCTGTCGCTCATA-3'
Protein context (NP_803187.1, residues 400-420): WYNNRNQDNY[Val410Met]SWSDSEDDDE